The following is an entry in ClinVar:

ClinVar aggregate classification (germline): Uncertain significance (1 of 4 stars; one submission).

gnomAD v4.1: 2 of 1,209,762 alleles (0.00017%); highest among the groups gnomAD compares: African/African-American, 0.0035%; no homozygotes.

Submission:

Women's Health and Genetics/Laboratory Corporation of America, LabCorp
Classification: Uncertain significance. Last evaluated: 2026-05-07. Review status: criteria provided, single submitter. Criteria: LabCorp Variant Classification Summary - May 2015. Collection method: clinical testing. Allele origin: germline.
Comment: Variant summary: FRMPD4 c.2279T>C (p.Leu760Pro) results in a non-conservative amino acid change in the encoded protein sequence. Algorithms developed to predict the effect of missense changes on protein structure and function are either unavailable or do not agree on the potential impact of this missense change. The variant allele was found at a frequency of 5.5e-06 in 183379 control chromosomes. The available data on variant occurrences in the general population are insufficient to allow any conclusion about variant significance. To our knowledge, no occurrence of c.2279T>C in individuals affected with FRMPD4-related conditions and no experimental evidence demonstrating its impact on protein function have been reported. No submitters have cited clinical-significance assessments for this variant to ClinVar. Based on the evidence outlined above, the variant was classified as uncertain significance.

NM_001368397.1(FRMPD4):c.2279T>C (p.Leu760Pro)

Gene: FRMPD4 (FERM and PDZ domain containing 4; plus strand). Cytogenetic location: Xp22.2.
Variant type: single nucleotide variant.
Coding change: c.2279T>C on transcript NM_001368397.1 (MANE Select); coding-DNA position 2279, T replaced by C.
Protein change: p.Leu760Pro; replaces leucine 760 with proline.
Molecular consequence: missense variant.
Genome position (GRCh38, 1-based): chrX:12,716,738, T>C. VCF-style: chrX-12716738-T-C. GRCh37 (hg19) VCF-style: chrX-12734857-T-C.
Other names: c.2390T>C, p.Leu797Pro (NM_001368395.3, NM_001368398.3); c.2285T>C, p.Leu762Pro (NM_001368396.3); c.2270T>C, p.Leu757Pro (NM_001368399.3); c.2159T>C, p.Leu720Pro (NM_001368400.3); c.2255T>C, p.Leu752Pro (NM_001368401.1, NM_001368402.3); c.2279T>C, p.Leu760Pro (NM_014728.3); short protein forms L720P, L752P, L757P, L760P, L762P, L797P.
Identifiers: ClinVar variation 4853498 (VCV004853498.1).
Genomic context (GRCh38, chrX:12,716,738, plus strand): 5'-GTTATGCAGAAAACACTGATGACGCGGAGGACGAGGACGAGGTGAGCTGCGAGGAGGACC[T>C]CGTGGTGGGGGAGATGAACCAGCCGGCCATCCTCAACCTGTCTGGGTCAAGCGATGACAT-3'
Protein context (NP_001355326.1, residues 750-770): DEDEVSCEED[Leu760Pro]VVGEMNQPAI